The following is an entry in ClinVar:

NM_001184.4(ATR):c.6497A>G (p.Lys2166Arg)

Gene: ATR (ATR checkpoint kinase; minus strand). Cytogenetic location: 3q23.
Variant type: single nucleotide variant.
Coding change: c.6497A>G on transcript NM_001184.4 (MANE Select); coding-DNA position 6497, A replaced by G.
Protein change: p.Lys2166Arg; replaces lysine 2166 with arginine.
Molecular consequence: missense variant.
Genome position (GRCh38, 1-based): chr3:142,469,392, T>C on the plus strand (A>G on the coding strand, the complement: ATR is on the minus strand). VCF-style: chr3-142469392-T-C. GRCh37 (hg19) VCF-style: chr3-142188234-T-C.
Other names: c.6305A>G, p.Lys2102Arg (NM_001354579.2); c.6497A>G (NM_001184.3); short protein forms K2166R, K2102R.
Identifiers: ClinVar variation 2061926 (VCV002061926.4), dbSNP rs1337844230, ClinGen allele CA354804456.

ClinVar aggregate classification (germline): Uncertain significance. Review status: criteria provided, multiple submitters, no conflicts (2 of 4 stars). 2 submissions from 2 submitters: Uncertain significance (2). Last evaluated 2023-02-18.

Conditions:
Inborn genetic diseases. Identifiers: MedGen C0950123, MeSH D030342.

Allele frequency attached by ClinVar (database versions not stated): gnomAD exomes below 0.00001; gnomAD 0.00001; TOPMed 0.00001.
gnomAD v4.1: 2 of 1,613,820 alleles (0.00012%); highest among the groups gnomAD compares: Admixed American, 0.0033%; no homozygotes.

Submissions (2):

Ambry Genetics
Classification: Uncertain significance for Inborn genetic diseases. Last evaluated: 2023-02-18. Review status: criteria provided, single submitter. Criteria: Ambry Variant Classification Scheme 2023. Collection method: clinical testing. Allele origin: germline.
Comment: The p.K2166R variant (also known as c.6497A>G), located in coding exon 38 of the ATR gene, results from an A to G substitution at nucleotide position 6497. The lysine at codon 2166 is replaced by arginine, an amino acid with highly similar properties. This amino acid position is conserved. In addition, the in silico prediction for this alteration is inconclusive. Since supporting evidence is limited at this time, the clinical significance of this alteration remains unclear.

Labcorp Genetics (formerly Invitae), Labcorp
Classification: Uncertain significance. Last evaluated: 2022-04-07. Review status: criteria provided, single submitter. Criteria: Invitae Variant Classification Sherloc (09022015). Collection method: clinical testing. Allele origin: germline.
Comment: In summary, the available evidence is currently insufficient to determine the role of this variant in disease. Therefore, it has been classified as a Variant of Uncertain Significance. Algorithms developed to predict the effect of missense changes on protein structure and function are either unavailable or do not agree on the potential impact of this missense change (SIFT: "Tolerated"; PolyPhen-2: "Probably Damaging"; Align-GVGD: "Class C0"). This sequence change replaces lysine, which is basic and polar, with arginine, which is basic and polar, at codon 2166 of the ATR protein (p.Lys2166Arg). This variant is not present in population databases (gnomAD no frequency). This variant has not been reported in the literature in individuals affected with ATR-related conditions.